The following is an entry in ClinVar:

ClinVar aggregate classification (germline): Uncertain significance. Review status: criteria provided, multiple submitters, no conflicts (2 of 4 stars). 3 submissions from 3 submitters: Uncertain significance (3). Last evaluated 2025-12-22.

Conditions:
Inborn genetic diseases. Identifiers: MedGen C0950123, MeSH D030342.
Nephronophthisis 15 (NPHP15). Identifiers: Orphanet 3156, MedGen C3541853, MONDO:0013917, OMIM 614845.

Allele frequency attached by ClinVar (database versions not stated): gnomAD 0.00001; gnomAD exomes 0.00001; TOPMed 0.00003.
gnomAD v4.1: 12 of 1,614,022 alleles (0.00074%); highest among the groups gnomAD compares: African/African-American, 0.0027%; no homozygotes.

Submissions (3):

Ambry Genetics
Classification: Uncertain significance for Inborn genetic diseases. Last evaluated: 2025-12-22. Review status: criteria provided, single submitter. Criteria: Ambry Variant Classification Scheme 2023. Collection method: clinical testing. Allele origin: germline.
Comment: The c.3103G>A (p.E1035K) alteration is located in exon 25 (coding exon 23) of the CEP164 gene. This alteration results from a G to A substitution at nucleotide position 3103, causing the glutamic acid (E) at amino acid position 1035 to be replaced by a lysine (K). Based on data from gnomAD, the A allele has an overall frequency of 0.001% (3/251432) total alleles studied. The highest observed frequency was 0.003% (3/113728) of European (non-Finnish) alleles. This amino acid position is not well conserved in available vertebrate species. Based on insufficient or conflicting evidence, the clinical significance of this alteration remains unclear.

Fulgent Genetics
Classification: Uncertain significance for Nephronophthisis 15. Last evaluated: 2024-05-24. Review status: criteria provided, single submitter. Criteria: ACMG Guidelines, 2015. Collection method: clinical testing. Allele origin: germline.

Labcorp Genetics (formerly Invitae), Labcorp
Classification: Uncertain significance for Nephronophthisis 15. Last evaluated: 2022-07-19. Review status: criteria provided, single submitter. Criteria: Invitae Variant Classification Sherloc (09022015). Collection method: clinical testing. Allele origin: germline.
Comment: In summary, the available evidence is currently insufficient to determine the role of this variant in disease. Therefore, it has been classified as a Variant of Uncertain Significance. Algorithms developed to predict the effect of missense changes on protein structure and function output the following: SIFT: "Deleterious"; PolyPhen-2: "Benign"; Align-GVGD: "Class C15". The lysine amino acid residue is found in multiple mammalian species, which suggests that this missense change does not adversely affect protein function. This variant has not been reported in the literature in individuals affected with CEP164-related conditions. This variant is present in population databases (no rsID available, gnomAD 0.003%). This sequence change replaces glutamic acid, which is acidic and polar, with lysine, which is basic and polar, at codon 1035 of the CEP164 protein (p.Glu1035Lys).

NM_014956.5(CEP164):c.3103G>A (p.Glu1035Lys)

Gene: CEP164 (centrosomal protein 164; plus strand). Cytogenetic location: 11q23.3.
Variant type: single nucleotide variant.
Coding change: c.3103G>A on transcript NM_014956.5 (MANE Select); coding-DNA position 3103, G replaced by A.
Protein change: p.Glu1035Lys; replaces glutamic acid 1035 with lysine.
Molecular consequence: missense variant.
Genome position (GRCh38, 1-based): chr11:117,396,067, G>A. VCF-style: chr11-117396067-G-A. GRCh37 (hg19) VCF-style: chr11-117266783-G-A.
Other names: c.3103G>A (NM_014956.4); c.3112G>A, p.Glu1038Lys (NM_001271933.2); short protein forms E1035K, E1038K.
Identifiers: ClinVar variation 1976512 (VCV001976512.7), dbSNP rs1016038401, ClinGen allele CA229361364.